The following is an entry in ClinVar:

NM_001034852.3(SMOC1):c.981A>G (p.Leu327=)

Gene: SMOC1 (SPARC related modular calcium binding 1; plus strand). Cytogenetic location: 14q24.2.
Variant type: single nucleotide variant.
Coding change: c.981A>G on transcript NM_001034852.3 (MANE Select); coding-DNA position 981, A replaced by G.
Protein change: p.Leu327=; no amino-acid change (leucine 327 retained).
Molecular consequence: synonymous variant.
Genome position (GRCh38, 1-based): chr14:70,013,426, A>G. VCF-style: chr14-70013426-A-G. GRCh37 (hg19) VCF-style: chr14-70480143-A-G.
Other names: c.1014A>G, p.Leu338= (NM_001425244.1, NM_001425245.1); c.981A>G, p.Leu327= (NM_022137.6).
Identifiers: ClinVar variation 3040001 (VCV003040001.2), dbSNP rs760429037, ClinGen allele CA7246684.

ClinVar aggregate classification (germline): Likely benign (0 of 4 stars; one submission).

Conditions:
SMOC1-related disorder. Also called: SMOC1-related condition.

Allele frequency attached by ClinVar (database versions not stated): TOPMed below 0.00001; ExAC 0.00001; gnomAD 0.00001; gnomAD exomes 0.00001.
gnomAD v4.1: 11 of 1,614,086 alleles (0.00068%); highest among the groups gnomAD compares: Admixed American, 0.005%; no homozygotes.

Submission:

PreventionGenetics, part of Exact Sciences
Classification: Likely benign for SMOC1-related condition. Last evaluated: 2019-09-18. Review status: no assertion criteria provided. Collection method: clinical testing. Allele origin: germline.
Comment: This variant is classified as likely benign based on ACMG/AMP sequence variant interpretation guidelines (Richards et al. 2015 PMID: 25741868, with internal and published modifications).